The following is an entry in ClinVar:

ClinVar aggregate classification (germline): Uncertain significance (1 of 4 stars; one submission).

Conditions:
Hereditary nonpolyposis colorectal neoplasms. Identifiers: MedGen C0009405, MeSH D003123.

Submission:

Labcorp Genetics (formerly Invitae), Labcorp
Classification: Uncertain significance for Hereditary nonpolyposis colorectal neoplasms. Last evaluated: 2025-12-03. Review status: criteria provided, single submitter. Criteria: Invitae Variant Classification Sherloc (09022015). Collection method: clinical testing. Allele origin: germline.
Comment: This sequence change replaces proline, which is neutral and non-polar, with alanine, which is neutral and non-polar, at codon 489 of the MSH6 protein (p.Pro489Ala). This variant is not present in population databases (gnomAD no frequency). This variant has not been reported in the literature in individuals affected with MSH6-related conditions. ClinVar contains an entry for this variant (Variation ID: 455140). Invitae Evidence Modeling of protein sequence and biophysical properties (such as structural, functional, and spatial information, amino acid conservation, physicochemical variation, residue mobility, and thermodynamic stability) indicates that this missense variant is not expected to disrupt MSH6 protein function with a negative predictive value of 95%. In summary, the available evidence is currently insufficient to determine the role of this variant in disease. Therefore, it has been classified as a Variant of Uncertain Significance.

NM_000179.3(MSH6):c.1465C>G (p.Pro489Ala)

Gene: MSH6 (mutS homolog 6; plus strand). Cytogenetic location: 2p16.3.
Variant type: single nucleotide variant.
Coding change: c.1465C>G on transcript NM_000179.3 (MANE Select); coding-DNA position 1465, C replaced by G.
Protein change: p.Pro489Ala; replaces proline 489 with alanine.
Molecular consequence: missense variant.
Genome position (GRCh38, 1-based): chr2:47,799,448, C>G. VCF-style: chr2-47799448-C-G. GRCh37 (hg19) VCF-style: chr2-48026587-C-G.
Other names: c.1075C>G, p.Pro359Ala (NM_001281492.2); c.559C>G, p.Pro187Ala (NM_001281493.2, NM_001281494.2); short protein forms P489A, P187A, P359A.
Identifiers: ClinVar variation 455140 (VCV000455140.11), dbSNP rs1553412879, ClinGen allele CA346745829.